The following is an entry in ClinVar:

NM_001114753.3(ENG):c.1087T>G (p.Cys363Gly)

Gene: ENG (endoglin; minus strand). Cytogenetic location: 9q34.11.
Variant type: single nucleotide variant.
Coding change: c.1087T>G on transcript NM_001114753.3 (MANE Select); coding-DNA position 1087, T replaced by G.
Protein change: p.Cys363Gly; replaces cysteine 363 with glycine.
Molecular consequence: missense variant.
Genome position (GRCh38, 1-based): chr9:127,824,351, A>C on the plus strand (T>G on the coding strand, the complement: ENG is on the minus strand). VCF-style: chr9-127824351-A-C. GRCh37 (hg19) VCF-style: chr9-130586630-A-C.
Other names: c.1087T>G, p.Cys363Gly (NM_000118.4, NM_001406715.1); c.541T>G, p.Cys181Gly (NM_001278138.2); short protein forms C181G, C363G.
Identifiers: ClinVar variation 3064429 (VCV003064429.4), dbSNP rs2131885848, ClinGen allele CA374980746.

ClinVar aggregate classification (germline): Pathogenic/Likely pathogenic. Review status: criteria provided, multiple submitters, no conflicts (2 of 4 stars). 2 submissions from 2 submitters: Pathogenic (1); Likely pathogenic (1). Last evaluated 2025-01-12.

Conditions:
Telangiectasia, hereditary hemorrhagic, type 1 (HHT1). Also called: Osler Weber Rendu syndrome type 1; ENG-Related Hereditary Hemorrhagic Telangiectasia. Identifiers: Orphanet 774, MedGen C4551861, MONDO:0008535, OMIM 187300. Disease mechanism: loss of function.
Hereditary hemorrhagic telangiectasia (HHT). Also called: ORW DISEASE; Osler Weber Rendu syndrome; OSLER-RENDU-WEBER DISEASE; Osler hemorrhagic telangiectasia syndrome. Identifiers: Orphanet 774, MedGen C0039445, MONDO:0019180. Disease mechanism: loss of function.

Submissions (2):

Labcorp Genetics (formerly Invitae), Labcorp
Classification: Likely pathogenic for Hereditary hemorrhagic telangiectasia. Last evaluated: 2025-01-12. Review status: criteria provided, single submitter. Criteria: Invitae Variant Classification Sherloc (09022015). Collection method: clinical testing. Allele origin: germline.
Comment: This sequence change replaces cysteine, which is neutral and slightly polar, with glycine, which is neutral and non-polar, at codon 363 of the ENG protein (p.Cys363Gly). This variant is not present in population databases (gnomAD no frequency). This missense change has been observed in individual(s) with hereditary hemorrhagic telangiectasia (internal data). ClinVar contains an entry for this variant (Variation ID: 3064429). Invitae Evidence Modeling of protein sequence and biophysical properties (such as structural, functional, and spatial information, amino acid conservation, physicochemical variation, residue mobility, and thermodynamic stability) indicates that this missense variant is expected to disrupt ENG protein function with a positive predictive value of 95%. This variant disrupts the p.Cys363 amino acid residue in ENG. Other variant(s) that disrupt this residue have been determined to be pathogenic (PMID: 17384219, 22991266, 23710379, 24196379; internal data). This suggests that this residue is clinically significant, and that variants that disrupt this residue are likely to be disease-causing. In summary, the currently available evidence indicates that the variant is pathogenic, but additional data are needed to prove that conclusively. Therefore, this variant has been classified as Likely Pathogenic.

Genomic Medicine Center of Excellence, King Faisal Specialist Hospital and Research Centre
Classification: Pathogenic for Telangiectasia, hereditary hemorrhagic, type 1. Last evaluated: 2024-03-25. Review status: criteria provided, single submitter. Criteria: ACMG Guidelines, 2015. Collection method: research. Allele origin: germline.

Literature cited by the submitters: PubMed 17384219 (cited by Labcorp Genetics (formerly Invitae), Labcorp); PubMed 22991266 (cited by Labcorp Genetics (formerly Invitae), Labcorp); PubMed 23710379 (cited by Labcorp Genetics (formerly Invitae), Labcorp); PubMed 24196379 (cited by Labcorp Genetics (formerly Invitae), Labcorp).